The following is an entry in ClinVar:

ClinVar aggregate classification (germline): Pathogenic (1 of 4 stars; one submission).

Submission:

Quest Diagnostics Nichols Institute San Juan Capistrano
Classification: Pathogenic. Last evaluated: 2022-03-11. Review status: criteria provided, single submitter. Criteria: ACMG/ClinGen CNV Guidelines, 2019. Collection method: clinical testing. Allele origin: unknown.
Comment: The copy number loss of 1q42.2q43 involves numerous protein-coding genes, including FH (OMIM 136850) and EDARADD (OMIM 606603). Heterozygous deletions within the current interval have been reported in a number of individuals with varying phenotypes, including microcephaly, epicanthal folds, flat nose, intellectual disability, or developmental delay. A deletion of CHRM3 was reported in a patient with autism (Petersen 2013), a de novo partial deletion disrupting FMN2 in a patient with mild non-syndromic intellectual disability (Almuqbil 2013), and a deletion disrupting both CHRM3 and FMN2 in a patient with intellectual disability and short stature (Perrone 2012). There are no similar copy number losses of this region in the general populations of the Database of Genomic Variants. Thus, the classification of this copy number variant (CNV) is pathogenic. References: Almuqbil et al., Eur J Med Genet. 2013 Dec;56(12):686-8. PMID:24161494. Perrone et al., Eur J Med Genet. 2012 Feb;55(2):117-9. PMID: 22186213. Petersen et al., Eur J Med Genet. 2013 Feb;56(2):118-22. PMID:23253743.

GRCh37/hg19 1q42.2-43(chr1:232732121-243338216)x1

Genes: ACTN2 (actinin alpha 2; plus strand), ARID4B (AT-rich interaction domain 4B; minus strand), B3GALNT2 (beta-1,3-N-acetylgalactosaminyltransferase 2; minus strand), CEP170 (centrosomal protein 170; minus strand), CHML (CHM like Rab escort protein; minus strand) and 37 more. Cytogenetic location: 1q42.2-43.
Variant type: copy number loss.
Change: copy number 1 (one copy instead of two) of chr1:232,732,121-243,338,216 (10.61 Mb, GRCh37 coordinates, 1-based), cytogenetic band 1q42.2-43.
Identifiers: ClinVar variation 1808740 (VCV001808740.1).